The following is an entry in ClinVar:

ClinVar aggregate classification (germline): Likely benign (1 of 4 stars; one submission).

Submission:

CeGaT Center for Human Genetics Tuebingen
Classification: Likely benign. Last evaluated: 2026-04-01. Review status: criteria provided, single submitter. Criteria: CeGaT Center For Human Genetics Tuebingen Variant Classification Criteria Version 2. Collection method: clinical testing. Allele origin: germline. Affected: yes. Observed: 1 variant allele.
Comment: TTN: PM2:Supporting, BP4, BP7

NM_001267550.2(TTN):c.63339T>C (p.Asp21113=)

Genes: TTN (titin; minus strand), TTN-AS1 (TTN antisense RNA 1; plus strand). Cytogenetic location: 2q31.2.
Variant type: single nucleotide variant.
Coding change: c.63339T>C on transcript NM_001267550.2 (MANE Select); coding-DNA position 63339, T replaced by C.
Protein change: p.Asp21113=; no amino-acid change (aspartic acid 21113 retained).
Molecular consequence: synonymous variant.
Genome position (GRCh38, 1-based): chr2:178,588,068, A>G on the plus strand (T>C on the coding strand, the complement: TTN is on the minus strand). VCF-style: chr2-178588068-A-G. GRCh37 (hg19) VCF-style: chr2-179452795-A-G.
Other names: c.58416T>C, p.Asp19472= (NM_001256850.1); c.36144T>C, p.Asp12048= (NM_003319.4); c.55635T>C, p.Asp18545= (NM_133378.4); c.36519T>C, p.Asp12173= (NM_133432.3); c.36720T>C, p.Asp12240= (NM_133437.4).
Identifiers: ClinVar variation 4874788 (VCV004874788.2).
Genomic context (GRCh38, chr2:178,588,068, plus strand): 5'-GGTAACAGTGAATTCCTTGCGTACAAGCTGTGCTGCAGCATTACACCGTTTCCAGCCTTC[A>G]TCAGGAGACGCATCTGCTATTTTTGGTCTCATTTCCACAACATATCCAATGATCGGTGCA-3'
Protein context (NP_001254479.2, residues 21103-21123): MRPKIADASP[Asp21113=]EGWKRCNAAA